The following is an entry in ClinVar:

ClinVar aggregate classification (germline): Pathogenic (1 of 4 stars; one submission).

Conditions:
Hereditary cancer-predisposing syndrome. Also called: Tumor predisposition; Hereditary Cancer Syndrome; Neoplastic Syndromes, Hereditary; Hereditary neoplastic syndrome. Identifiers: Orphanet 140162, MedGen C0027672, MeSH D009386, MONDO:0015356.

Submission:

Ambry Genetics
Classification: Pathogenic for Hereditary cancer-predisposing syndrome. Last evaluated: 2018-12-21. Review status: criteria provided, single submitter. Criteria: Ambry Variant Classification Scheme 2023. Collection method: clinical testing. Allele origin: germline.
Comment: The c.3150delC pathogenic mutation, located in coding exon 10 of the BRCA2 gene, results from a deletion of one nucleotide at nucleotide position 3150, causing a translational frameshift with a predicted alternate stop codon (p.L1051Wfs*3). This alteration is expected to result in loss of function by premature protein truncation or nonsense-mediated mRNA decay. As such, this alteration is interpreted as a disease-causing mutation.

NM_000059.4(BRCA2):c.3150del (p.Leu1051fs)

Gene: BRCA2 (BRCA2 DNA repair associated; plus strand). Cytogenetic location: 13q13.1.
Variant type: Deletion.
Coding change: c.3150del on transcript NM_000059.4 (MANE Select); coding-DNA position 3150, one base deleted (C; older notation c.3150delC).
Protein change: p.Leu1051fs; shifts the reading frame from leucine 1051.
Molecular consequence: frameshift variant.
Genome position (GRCh38, 1-based): chr13:32,337,505, C deleted; the last of 2 consecutive C bases (chr13:32,337,504-32,337,505); deleting either gives the same sequence. VCF-style (leftmost placement, unchanged base first): chr13-32337503-AC-A. GRCh37 (hg19) VCF-style: chr13-32911640-AC-A.
Other names: short protein forms L1051fs.
Identifiers: ClinVar variation 822997 (VCV000822997.4), dbSNP rs1593898689, ClinGen allele CA915948447.
Genomic context (GRCh38, chr13:32,337,503, plus strand): 5'-TTCTTCAAAGATATTGAAGAACAATATCCTACTAGTTTAGCTTGTGTTGAAATTGTAAAT[AC>A]CTTGGCATTAGATAATCAAAAGAAACTGAGCAAGCCTCAGTCAATTAATACTGTATCTGC-3'